The following is an entry in ClinVar:

ClinVar aggregate classification (germline): Uncertain significance. Review status: criteria provided, multiple submitters, no conflicts (2 of 4 stars). 2 submissions from 2 submitters: Uncertain significance (2). Last evaluated 2026-03-18.

Conditions:
Inborn genetic diseases. Identifiers: MedGen C0950123, MeSH D030342.

Allele frequency attached by ClinVar (database versions not stated): TOPMed 0.00007; gnomAD 0.00004; gnomAD exomes 0.00001.
gnomAD v4.1: 11 of 1,613,970 alleles (0.00068%); highest among the groups gnomAD compares: Admixed American, 0.013%; no homozygotes.

Submissions (2):

Ambry Genetics
Classification: Uncertain significance for Inborn genetic diseases. Last evaluated: 2026-03-18. Review status: criteria provided, single submitter. Criteria: Ambry Variant Classification Scheme 2023. Collection method: clinical testing. Allele origin: germline.

GeneDx
Classification: Uncertain significance. Last evaluated: 2022-08-02. Review status: criteria provided, single submitter. Criteria: GeneDx Variant Classification Process June 2021. Collection method: clinical testing. Allele origin: germline. Affected: yes.
Comment: In silico analysis supports that this missense variant does not alter protein structure/function; Has not been previously published as pathogenic or benign to our knowledge

NM_001199799.2(ILDR1):c.526C>G (p.Leu176Val)

Gene: ILDR1 (immunoglobulin like domain containing receptor 1; minus strand). Cytogenetic location: 3q13.33.
Variant type: single nucleotide variant.
Coding change: c.526C>G on transcript NM_001199799.2 (MANE Select); coding-DNA position 526, C replaced by G.
Protein change: p.Leu176Val; replaces leucine 176 with valine.
Molecular consequence: missense variant. On other transcripts: intron variant (1).
Genome position (GRCh38, 1-based): chr3:122,001,428, G>C on the plus strand (C>G on the coding strand, the complement: ILDR1 is on the minus strand). VCF-style: chr3-122001428-G-C. GRCh37 (hg19) VCF-style: chr3-121720275-G-C.
Other names: c.526C>G, p.Leu176Val (NM_175924.4); c.379+3816C>G (NM_001199800.2); short protein forms L176V.
Identifiers: ClinVar variation 1702639 (VCV001702639.4), dbSNP rs1361118658, ClinGen allele CA354131523.